The following is an entry in ClinVar:

NM_002609.4(PDGFRB):c.2362C>T (p.Arg788Ter)

Gene: PDGFRB (platelet derived growth factor receptor beta; minus strand). Cytogenetic location: 5q32.
Variant type: single nucleotide variant.
Coding change: c.2362C>T on transcript NM_002609.4 (MANE Select); coding-DNA position 2362, C replaced by T.
Protein change: p.Arg788Ter; replaces arginine 788 with a stop codon.
Molecular consequence: nonsense.
Genome position (GRCh38, 1-based): chr5:150,121,305, G>A on the plus strand (C>T on the coding strand, the complement: PDGFRB is on the minus strand). VCF-style: chr5-150121305-G-A. GRCh37 (hg19) VCF-style: chr5-149500868-G-A.
Other names: c.2170C>T, p.Arg724Ter (NM_001355016.2); c.1879C>T, p.Arg627Ter (NM_001355017.2); short protein forms R788*, R627*, R724*.
Identifiers: ClinVar variation 520866 (VCV000520866.5), dbSNP rs1320275282, ClinGen allele CA361761357.

ClinVar aggregate classification (germline): Uncertain significance. Review status: criteria provided, multiple submitters, no conflicts (2 of 4 stars). 2 submissions from 2 submitters: Uncertain significance (2). Last evaluated 2022-10-31.

Conditions:
Inborn genetic diseases. Identifiers: MedGen C0950123, MeSH D030342.

Allele frequency attached by ClinVar (database versions not stated): gnomAD exomes below 0.00001; gnomAD 0.00001; TOPMed 0.00001.
gnomAD v4.1: 7 of 1,573,160 alleles (0.00044%); highest among the groups gnomAD compares: Non-Finnish European, 0.00061%; no homozygotes.

Submissions (2):

GeneDx
Classification: Uncertain significance. Last evaluated: 2022-10-31. Review status: criteria provided, single submitter. Criteria: GeneDx Variant Classification Process June 2021. Collection method: clinical testing. Allele origin: germline. Affected: yes.
Comment: Nonsense variant predicted to result in protein truncation or nonsense mediated decay in a gene for which loss-of-function is not a known mechanism of disease; Not observed at significant frequency in large population cohorts (gnomAD); Has not been previously published as pathogenic or benign to our knowledge; This variant is associated with the following publications: (PMID: 16168125, 27161972, 31506931)

Ambry Genetics
Classification: Uncertain significance for Inborn genetic diseases. Last evaluated: 2015-11-20. Review status: criteria provided, single submitter. Criteria: Ambry exome assertion method (8-5-2015). Collection method: clinical testing. Allele origin: germline. Affected: yes. Observed: 1 variant allele.